The following is an entry in ClinVar:

ClinVar aggregate classification (germline): Uncertain significance. Review status: criteria provided, multiple submitters, no conflicts (2 of 4 stars). 3 submissions from 3 submitters: Uncertain significance (3). Last evaluated 2025-12-08.

Conditions:
Hereditary cancer-predisposing syndrome. Also called: Hereditary neoplastic syndrome; Tumor predisposition; Hereditary Cancer Syndrome; Neoplastic Syndromes, Hereditary. Identifiers: Orphanet 140162, MedGen C0027672, MeSH D009386, MONDO:0015356.
POLD1-related polyposis and colorectal cancer syndrome (CRCS10). Also called: Colorectal cancer, susceptibility to, 10; Colorectal cancer 10; COLORECTAL CANCER, SUSCEPTIBILITY TO, ON CHROMOSOME 19q. Identifiers: Orphanet 220460, MedGen C2675481, MONDO:0012953, OMIM 612591.

Allele frequency attached by ClinVar (database versions not stated): gnomAD exomes below 0.00001; TOPMed below 0.00001.

Submissions (3):

Labcorp Genetics (formerly Invitae), Labcorp
Classification: Uncertain significance for POLD1-related polyposis and colorectal cancer syndrome. Last evaluated: 2025-12-08. Review status: criteria provided, single submitter. Criteria: Invitae Variant Classification Sherloc (09022015). Collection method: clinical testing. Allele origin: germline.
Comment: This sequence change creates a premature translational stop signal (p.Thr747Hisfs*9) in the POLD1 gene. Missense variants that disrupt the 3'-5' exonuclease (proof-reading) activity of the POLD1 protein are associated with PPAP (polymerase proofreading–associated polyposis) (PMID: 23263490, 23447401). However, loss-of-function variants that result in an absent or severely disrupted POLD1 protein, and missense variants outside the exonuclease domain, are unlikely to be associated with PPAP. This variant is not present in population databases (gnomAD no frequency). This variant has not been reported in the literature in individuals affected with POLD1-related conditions. ClinVar contains an entry for this variant (Variation ID: 641924). In summary, the available evidence is currently insufficient to determine the role of this variant in disease. Therefore, it has been classified as a Variant of Uncertain Significance.

Ambry Genetics
Classification: Uncertain significance for Hereditary cancer-predisposing syndrome. Last evaluated: 2025-02-05. Review status: criteria provided, single submitter. Criteria: Ambry Variant Classification Scheme 2023. Collection method: clinical testing. Allele origin: germline.
Comment: The c.2238dupC variant, located in coding exon 17 of the POLD1 gene, results from a duplication of C at nucleotide position 2238, causing a translational frameshift with a predicted alternate stop codon (p.T747Hfs*9). This alteration is expected to result in loss of function by premature protein truncation or nonsense-mediated mRNA decay. However, loss of function of POLD1 has not been clearly established as a mechanism of disease. Based on the available evidence, the clinical significance of this alteration remains unclear.

GeneDx
Classification: Uncertain significance. Last evaluated: 2024-01-25. Review status: criteria provided, single submitter. Criteria: GeneDx Variant Classification Process June 2021. Collection method: clinical testing. Allele origin: germline. Affected: yes.
Comment: Frameshift variant predicted to result in protein truncation or nonsense mediated decay in a gene for which loss-of-function is not a known mechanism of disease; Not observed at significant frequency in large population cohorts (gnomAD); Has not been previously published as pathogenic or benign to our knowledge; This variant is associated with the following publications: (PMID: 23447401, 23263490)

Literature cited by the submitters: PubMed 23263490 (cited by Labcorp Genetics (formerly Invitae), Labcorp); PubMed 23447401 (cited by Labcorp Genetics (formerly Invitae), Labcorp).

NM_002691.4(POLD1):c.2238dup (p.Thr747fs)

Gene: POLD1 (DNA polymerase delta 1, catalytic subunit; plus strand). Cytogenetic location: 19q13.33.
Variant type: Duplication.
Coding change: c.2238dup on transcript NM_002691.4 (MANE Select); coding-DNA position 2238, one base duplicated (C; older notation c.2238dupC).
Protein change: p.Thr747fs; shifts the reading frame from threonine 747.
Molecular consequence: frameshift variant. On other transcripts: non-coding transcript variant (1).
Genome position (GRCh38, 1-based): chr19:50,413,509, C duplicated. VCF-style (leftmost placement, unchanged base first): chr19-50413508-G-GC. GRCh37 (hg19) VCF-style: chr19-50916765-G-GC.
Other names: c.2238dupC (NM_002691.3); c.2238dup, p.Thr747fs (NM_001256849.1); c.2316dup, p.Thr773fs (NM_001308632.1); c.2238dup (NM_002691.3); short protein forms T747fs, T773fs.
Identifiers: ClinVar variation 641924 (VCV000641924.15), dbSNP rs1601237658, ClinGen allele CA915951951.